The following is an entry in ClinVar:

NM_001035.3(RYR2):c.14434-2A>G

Gene: RYR2 (ryanodine receptor 2; plus strand). Cytogenetic location: 1q43.
Variant type: single nucleotide variant.
Coding change: c.14434-2A>G on transcript NM_001035.3 (MANE Select); the canonical splice acceptor site of the intron before coding-DNA position 14434, A replaced by G.
Molecular consequence: splice acceptor variant.
Genome position (GRCh38, 1-based): chr1:237,819,034, A>G. VCF-style: chr1-237819034-A-G. GRCh37 (hg19) VCF-style: chr1-237982334-A-G.
Identifiers: ClinVar variation 4735302 (VCV004735302.1).

ClinVar aggregate classification (germline): Uncertain significance (1 of 4 stars; one submission).

Conditions:
Catecholaminergic polymorphic ventricular tachycardia 1. Also called: VENTRICULAR TACHYCARDIA, CATECHOLAMINERGIC POLYMORPHIC, 1, WITH OR WITHOUT ATRIAL DYSFUNCTION AND/OR DILATED CARDIOMYOPATHY; RYR2-Related Catecholaminergic Polymorphic Ventricular Tachycardia; VENTRICULAR TACHYCARDIA, STRESS-INDUCED POLYMORPHIC 1. Identifiers: Orphanet 3286, MedGen C1631597, MONDO:0011484, OMIM 604772.

Submission:

Labcorp Genetics (formerly Invitae), Labcorp
Classification: Uncertain significance for Catecholaminergic polymorphic ventricular tachycardia 1. Last evaluated: 2026-01-13. Review status: criteria provided, single submitter. Criteria: Invitae Variant Classification Sherloc (09022015). Collection method: clinical testing. Allele origin: germline.
Comment: This sequence change affects an acceptor splice site in intron 100 of the RYR2 gene. It is expected to disrupt RNA splicing. Variants that disrupt the donor or acceptor splice site typically lead to a loss of protein function (PMID: 16199547), however the current clinical and genetic evidence is not sufficient to establish whether loss-of-function variants in RYR2 cause disease. This variant is not present in population databases (gnomAD no frequency). This variant has not been reported in the literature in individuals affected with RYR2-related conditions. Algorithms developed to predict the effect of sequence changes on RNA splicing suggest that this variant may disrupt the consensus splice site. In summary, the available evidence is currently insufficient to determine the role of this variant in disease. Therefore, it has been classified as a Variant of Uncertain Significance.

Literature cited by the submitters: PubMed 16199547.